The following is an entry in ClinVar:

NM_007050.6(PTPRT):c.3632T>C (p.Val1211Ala)

Gene: PTPRT (protein tyrosine phosphatase receptor type T; minus strand). Cytogenetic location: 20q12.
Variant type: single nucleotide variant.
Coding change: c.3632T>C on transcript NM_007050.6 (MANE Select); coding-DNA position 3632, T replaced by C.
Protein change: p.Val1211Ala; replaces valine 1211 with alanine.
Molecular consequence: missense variant.
Genome position (GRCh38, 1-based): chr20:42,102,206, A>G on the plus strand (T>C on the coding strand, the complement: PTPRT is on the minus strand). VCF-style: chr20-42102206-A-G. GRCh37 (hg19) VCF-style: chr20-40730846-A-G.
Other names: c.3689T>C, p.Val1230Ala (NM_001394024.1, NM_133170.4); c.3656T>C, p.Val1219Ala (NM_001394025.1); c.3629T>C, p.Val1210Ala (NM_001394026.1); short protein forms V1210A, V1211A, V1219A, V1230A.
Identifiers: ClinVar variation 4886165 (VCV004886165.2).
Genomic context (GRCh38, chr20:42,102,206, plus strand): 5'-TAATTGCTGGATTCTCCGTCCACTGAGATAAGGAAGGGCAGGCAGCGGTCCAGAGGCAGC[A>G]CGTCCATACTTCGATTCTTATCATGGTTCCGGGGCAGGAGCCCAATGCTGCAGTCCTCGG-3'
Protein context (NP_008981.4, residues 1201-1221): RNHDKNRSMD[Val1211Ala]LPLDRCLPFL

ClinVar aggregate classification (germline): Uncertain significance (1 of 4 stars; one submission).

Submission:

Dasa
Classification: Uncertain significance. Last evaluated: 2024-11-19. Review status: criteria provided, single submitter. Criteria: DASA Assertion Criteria. Collection method: clinical testing. Allele origin: germline.
Comment: NM_007050.6(PTPRT):c.3632T>C (p.Val1211Ala) is a missense variant that results in the substitution of valine with alanine. This variant is absent from population databases. Computational prediction algorithms are consistent with a deleterious effect. The currently available literature and clinical evidence are not sufficient to establish a definitive association between this variant and the reported condition. Therefore, this variant is classified as a variant of uncertain significance.